The following is an entry in ClinVar:

NM_021005.4(NR2F2):c.4G>T (p.Ala2Ser)

Gene: NR2F2 (nuclear receptor subfamily 2 group F member 2; plus strand). Cytogenetic location: 15q26.2.
Variant type: single nucleotide variant.
Coding change: c.4G>T on transcript NM_021005.4 (MANE Select); coding-DNA position 4, G replaced by T.
Protein change: p.Ala2Ser; replaces alanine 2 with serine.
Molecular consequence: missense variant. On other transcripts: intron variant (1).
Genome position (GRCh38, 1-based): chr15:96,332,109, G>T. VCF-style: chr15-96332109-G-T. GRCh37 (hg19) VCF-style: chr15-96875338-G-T.
Other names: c.44-1967G>T (NM_001145155.2); short protein forms A2S.
Identifiers: ClinVar variation 958490 (VCV000958490.10), dbSNP rs1236325542, ClinGen allele CA393929397.

ClinVar aggregate classification (germline): Uncertain significance. Review status: criteria provided, multiple submitters, no conflicts (2 of 4 stars). 2 submissions from 2 submitters: Uncertain significance (2). Last evaluated 2021-02-08.

Conditions:
Congenital heart defects, multiple types, 4 (CHTD4). Identifiers: MedGen C4014310, MONDO:0014344, OMIM 615779.

Allele frequency attached by ClinVar (database versions not stated): gnomAD exomes 0.00001; TOPMed 0.00001; gnomAD 0.00002.

Submissions (2):

Blueprint Genetics
Classification: Uncertain significance. Last evaluated: 2021-02-08. Review status: criteria provided, single submitter. Criteria: ACMG Guidelines, 2015. Collection method: clinical testing. Allele origin: germline.

Labcorp Genetics (formerly Invitae), Labcorp
Classification: Uncertain significance for Congenital heart defects, multiple types, 4. Last evaluated: 2019-11-08. Review status: criteria provided, single submitter. Criteria: Invitae Variant Classification Sherloc (09022015). Collection method: clinical testing. Allele origin: germline.
Comment: This sequence change replaces alanine with serine at codon 2 of the NR2F2 protein (p.Ala2Ser). The alanine residue is moderately conserved and there is a moderate physicochemical difference between alanine and serine. The frequency data for this variant in the population databases is considered unreliable, as metrics indicate insufficient coverage at this position in the ExAC database. This variant has not been reported in the literature in individuals with NR2F2-related conditions. Algorithms developed to predict the effect of missense changes on protein structure and function are either unavailable or do not agree on the potential impact of this missense change (SIFT: "Deleterious"; PolyPhen-2: "Benign"; Align-GVGD: "Class C0"). In summary, the available evidence is currently insufficient to determine the role of this variant in disease. Therefore, it has been classified as a Variant of Uncertain Significance.